The following is an entry in ClinVar:

NM_001270974.2(HYDIN):c.4763A>G (p.Lys1588Arg)

Gene: HYDIN (HYDIN axonemal central pair apparatus protein; minus strand). Cytogenetic location: 16q22.2.
Variant type: single nucleotide variant.
Coding change: c.4763A>G on transcript NM_001270974.2 (MANE Select); coding-DNA position 4763, A replaced by G.
Protein change: p.Lys1588Arg; replaces lysine 1588 with arginine.
Molecular consequence: missense variant.
Genome position (GRCh38, 1-based): chr16:70,975,145, T>C on the plus strand (A>G on the coding strand, the complement: HYDIN is on the minus strand). VCF-style: chr16-70975145-T-C. GRCh37 (hg19) VCF-style: chr16-71009048-T-C.
Other names: short protein forms K1588R.
Identifiers: ClinVar variation 4056783 (VCV004056783.1).

ClinVar aggregate classification (germline): Uncertain significance (1 of 4 stars; one submission).

Conditions:
Primary ciliary dyskinesia 5. Also called: CILIARY DYSKINESIA, PRIMARY, 5, WITHOUT SITUS INVERSUS. Identifiers: Orphanet 244, MedGen C1837615, MONDO:0012088, OMIM 608647.

Submission:

Laboratorio de Genetica e Diagnostico Molecular, Hospital Israelita Albert Einstein
Classification: Uncertain significance for Primary ciliary dyskinesia 5. Last evaluated: 2024-09-08. Review status: criteria provided, single submitter. Criteria: ACMG Guidelines, 2015. Collection method: clinical testing. Allele origin: germline. Affected: yes.
Comment: ACMG classification criteria: PM2 supporting, BP4 supporting